The following is an entry in ClinVar:

NM_001605.3(AARS1):c.1728T>G (p.Ile576Met)

Gene: AARS1 (alanyl-tRNA synthetase 1; minus strand). Cytogenetic location: 16q22.1.
Variant type: single nucleotide variant.
Coding change: c.1728T>G on transcript NM_001605.3 (MANE Select); coding-DNA position 1728, T replaced by G.
Protein change: p.Ile576Met; replaces isoleucine 576 with methionine.
Molecular consequence: missense variant.
Genome position (GRCh38, 1-based): chr16:70,261,101, A>C on the plus strand (T>G on the coding strand, the complement: AARS1 is on the minus strand). VCF-style: chr16-70261101-A-C. GRCh37 (hg19) VCF-style: chr16-70295004-A-C.
Other names: short protein forms I576M.
Identifiers: ClinVar variation 2419851 (VCV002419851.6), dbSNP rs1223393949, ClinGen allele CA396559394.

ClinVar aggregate classification (germline): Uncertain significance (1 of 4 stars; one submission).

Conditions:
Charcot-Marie-Tooth disease type 2. Also called: Charcot-Marie-Tooth type 2. Identifiers: Orphanet 64746, MedGen C0270914, MONDO:0018993.

Submission:

Labcorp Genetics (formerly Invitae), Labcorp
Classification: Uncertain significance for Charcot-Marie-Tooth disease type 2. Last evaluated: 2022-01-29. Review status: criteria provided, single submitter. Criteria: Invitae Variant Classification Sherloc (09022015). Collection method: clinical testing. Allele origin: germline.
Comment: In summary, the available evidence is currently insufficient to determine the role of this variant in disease. Therefore, it has been classified as a Variant of Uncertain Significance. Algorithms developed to predict the effect of missense changes on protein structure and function (SIFT, PolyPhen-2, Align-GVGD) all suggest that this variant is likely to be tolerated. This variant has not been reported in the literature in individuals affected with AARS-related conditions. This variant is not present in population databases (gnomAD no frequency). This sequence change replaces isoleucine, which is neutral and non-polar, with methionine, which is neutral and non-polar, at codon 576 of the AARS protein (p.Ile576Met).